The following is an entry in ClinVar:

ClinVar aggregate classification (germline): Uncertain significance (1 of 4 stars; one submission).

Conditions:
Angelman syndrome-like. Identifiers: MedGen CN128785.
Developmental and epileptic encephalopathy, 2 (DEE2). Also called: INFANTILE SPASM SYNDROME, X-LINKED 2; CDKL5 deficiency disorder. Identifiers: Orphanet 1934, Orphanet 3451, Orphanet 505652, MedGen C4750718, MONDO:0010396, OMIM 300672.

Allele frequency attached by ClinVar (database versions not stated): gnomAD exomes below 0.00001 and 0.00001; ExAC 0.00001; TOPMed 0.00002.
gnomAD v4.1: 1 of 1,211,683 alleles (0.000083%); highest among the groups gnomAD compares: Admixed American, 0.0022%; no homozygotes.

Submission:

Labcorp Genetics (formerly Invitae), Labcorp
Classification: Uncertain significance for Developmental and epileptic encephalopathy, 2; Angelman syndrome-like. Last evaluated: 2023-08-10. Review status: criteria provided, single submitter. Criteria: Invitae Variant Classification Sherloc (09022015). Collection method: clinical testing. Allele origin: germline.
Comment: This sequence change replaces arginine, which is basic and polar, with glycine, which is neutral and non-polar, at codon 534 of the CDKL5 protein (p.Arg534Gly). This variant is present in population databases (rs749639424, gnomAD 0.004%). This variant has not been reported in the literature in individuals affected with CDKL5-related conditions. ClinVar contains an entry for this variant (Variation ID: 661864). Advanced modeling of protein sequence and biophysical properties (such as structural, functional, and spatial information, amino acid conservation, physicochemical variation, residue mobility, and thermodynamic stability) performed at Invitae indicates that this missense variant is not expected to disrupt CDKL5 protein function. In summary, the available evidence is currently insufficient to determine the role of this variant in disease. Therefore, it has been classified as a Variant of Uncertain Significance.

NM_001323289.2(CDKL5):c.1600A>G (p.Arg534Gly)

Gene: CDKL5 (cyclin dependent kinase like 5; plus strand). Cytogenetic location: Xp22.13.
Variant type: single nucleotide variant.
Coding change: c.1600A>G on transcript NM_001323289.2 (MANE Select); coding-DNA position 1600, A replaced by G.
Protein change: p.Arg534Gly; replaces arginine 534 with glycine.
Molecular consequence: missense variant.
Genome position (GRCh38, 1-based): chrX:18,604,524, A>G. VCF-style: chrX-18604524-A-G. GRCh37 (hg19) VCF-style: chrX-18622644-A-G.
Other names: c.1600A>G, p.Arg534Gly (NM_001037343.2, NM_003159.3); short protein forms R534G.
Identifiers: ClinVar variation 661864 (VCV000661864.9), dbSNP rs749639424, ClinGen allele CA10360397.